The following is an entry in ClinVar:

NM_004187.5(KDM5C):c.2018T>C (p.Met673Thr)

Gene: KDM5C (lysine demethylase 5C; minus strand). Cytogenetic location: Xp11.22.
Variant type: single nucleotide variant.
Coding change: c.2018T>C on transcript NM_004187.5 (MANE Select); coding-DNA position 2018, T replaced by C.
Protein change: p.Met673Thr; replaces methionine 673 with threonine.
Molecular consequence: missense variant. On other transcripts: non-coding transcript variant (3).
Genome position (GRCh38, 1-based): chrX:53,201,593, A>G on the plus strand (T>C on the coding strand, the complement: KDM5C is on the minus strand). VCF-style: chrX-53201593-A-G. GRCh37 (hg19) VCF-style: chrX-53230775-A-G.
Other names: c.1817T>C, p.Met606Thr (NM_001146702.2); c.2015T>C, p.Met672Thr (NM_001282622.3, NM_001353979.2, NM_001353982.2); c.2018T>C, p.Met673Thr (NM_001353978.3, NM_001353981.2, NM_001353984.2); short protein forms M606T, M672T, M673T.
Identifiers: ClinVar variation 3654371 (VCV003654371.2).

ClinVar aggregate classification (germline): Uncertain significance (1 of 4 stars; one submission).

Conditions:
Spastic paraplegia. Identifiers: MedGen C0037772, HP:0001258.

Submission:

Labcorp Genetics (formerly Invitae), Labcorp
Classification: Uncertain significance for Spastic paraplegia. Last evaluated: 2024-05-23. Review status: criteria provided, single submitter. Criteria: Invitae Variant Classification Sherloc (09022015). Collection method: clinical testing. Allele origin: germline.
Comment: This sequence change replaces methionine, which is neutral and non-polar, with threonine, which is neutral and polar, at codon 673 of the KDM5C protein (p.Met673Thr). This variant is not present in population databases (gnomAD no frequency). This variant has not been reported in the literature in individuals affected with KDM5C-related conditions. Advanced modeling of protein sequence and biophysical properties (such as structural, functional, and spatial information, amino acid conservation, physicochemical variation, residue mobility, and thermodynamic stability) has been performed at Invitae for this missense variant, however the output from this modeling did not meet the statistical confidence thresholds required to predict the impact of this variant on KDM5C protein function. In summary, the available evidence is currently insufficient to determine the role of this variant in disease. Therefore, it has been classified as a Variant of Uncertain Significance.